The following is an entry in ClinVar:

NM_003900.5(SQSTM1):c.319C>T (p.Arg107Trp)

Gene: SQSTM1 (sequestosome 1; plus strand). Cytogenetic location: 5q35.3.
Variant type: single nucleotide variant.
Coding change: c.319C>T on transcript NM_003900.5 (MANE Select); coding-DNA position 319, C replaced by T.
Protein change: p.Arg107Trp; replaces arginine 107 with tryptophan.
Molecular consequence: missense variant.
Genome position (GRCh38, 1-based): chr5:179,823,875, C>T. VCF-style: chr5-179823875-C-T. GRCh37 (hg19) VCF-style: chr5-179250875-C-T.
Other names: c.67C>T, p.Arg23Trp (NM_001142298.2, NM_001142299.2); short protein forms R107W, R23W.
Identifiers: ClinVar variation 1449965 (VCV001449965.8), dbSNP rs771903158, ClinGen allele CA3600469.
Genomic context (GRCh38, chr5:179,823,875, plus strand): 5'-TTAGGGGGTCCCACCCTAGCGGCTCTCTTTACCCTTCCTGTAGAGAAAAAAGAGTGCCGG[C>T]GGGACCACCGCCCACCGTGTGCTCAGGAGGCGCCCCGCAACATGGTGCACCCCAATGTGA-3'
Protein context (NP_003891.1, residues 97-117): IYIKEKKECR[Arg107Trp]DHRPPCAQEA

ClinVar aggregate classification (germline): Uncertain significance (1 of 4 stars; one submission).

Conditions:
Frontotemporal dementia and/or amyotrophic lateral sclerosis 1 (FTDALS1). Also called: C9orf72 Frontotemporal Dementia and/or Amyotrophic Lateral Sclerosis; Frontotemporal dementia with motor neuron disease 1. Identifiers: Orphanet 275872, MedGen C5779877, MONDO:0007105, OMIM 105550.
Paget disease of bone 2, early-onset (PDB2). Also called: Paget disease of bone 2. Identifiers: MedGen C4085251, MONDO:0011183, OMIM 602080.

Allele frequency attached by ClinVar (database versions not stated): gnomAD 0.00001; TOPMed 0.00001; gnomAD exomes 0.00002 and 0.00003; ExAC 0.00004.
gnomAD v4.1: 26 of 1,612,110 alleles (0.0016%); highest among the groups gnomAD compares: South Asian, 0.0044%; no homozygotes.

Submission:

Labcorp Genetics (formerly Invitae), Labcorp
Classification: Uncertain significance for Paget disease of bone 2, early-onset; Frontotemporal dementia and/or amyotrophic lateral sclerosis 1. Last evaluated: 2025-04-29. Review status: criteria provided, single submitter. Criteria: Invitae Variant Classification Sherloc (09022015). Collection method: clinical testing. Allele origin: germline.
Comment: This sequence change replaces arginine, which is basic and polar, with tryptophan, which is neutral and slightly polar, at codon 107 of the SQSTM1 protein (p.Arg107Trp). This variant is present in population databases (rs771903158, gnomAD 0.01%). This missense change has been observed in individual(s) with clinical features of amyotrophic lateral sclerosis (PMID: 24899140). ClinVar contains an entry for this variant (Variation ID: 1449965). Invitae Evidence Modeling of protein sequence and biophysical properties (such as structural, functional, and spatial information, amino acid conservation, physicochemical variation, residue mobility, and thermodynamic stability) indicates that this missense variant is expected to disrupt SQSTM1 protein function with a positive predictive value of 80%. In summary, the available evidence is currently insufficient to determine the role of this variant in disease. Therefore, it has been classified as a Variant of Uncertain Significance.

Literature cited by the submitters: PubMed 24899140.